The following is an entry in ClinVar:

ClinVar aggregate classification (germline): Pathogenic (1 of 4 stars; one submission).

Conditions:
CHARGE syndrome (CHARGE). Also called: Hittner Hirsch Kreh syndrome; CHARGE ASSOCIATION--COLOBOMA, HEART ANOMALY, CHOANAL ATRESIA, RETARDATION, GENITAL AND EAR ANOMALIES; Coloboma, heart anomaly, choanal atresia, retardation, genital and ear anomalies; CHARGE association; Hall-Hittner syndrome. Identifiers: Orphanet 138, MedGen C0265354, MONDO:0008965.

Submission:

Labcorp Genetics (formerly Invitae), Labcorp
Classification: Pathogenic for CHARGE syndrome. Last evaluated: 2023-04-03. Review status: criteria provided, single submitter. Criteria: Invitae Variant Classification Sherloc (09022015). Collection method: clinical testing. Allele origin: germline.
Comment: This sequence change creates a premature translational stop signal (p.Leu2703Profs*22) in the CHD7 gene. While this is not anticipated to result in nonsense mediated decay, it is expected to disrupt the last 295 amino acid(s) of the CHD7 protein. This variant is not present in population databases (gnomAD no frequency). This variant has not been reported in the literature in individuals affected with CHD7-related conditions. This variant disrupts a region of the CHD7 protein in which other variant(s) (p.Asp2988Glyfs*2) have been determined to be pathogenic (PMID: 18073582, 31564432). This suggests that this is a clinically significant region of the protein, and that variants that disrupt it are likely to be disease-causing. For these reasons, this variant has been classified as Pathogenic.

Literature cited by the submitters: PubMed 18073582; PubMed 31564432.

NM_017780.4(CHD7):c.8105dup (p.Leu2703fs)

Gene: CHD7 (chromodomain helicase DNA binding protein 7; plus strand). Cytogenetic location: 8q12.2.
Variant type: Duplication.
Coding change: c.8105dup on transcript NM_017780.4 (MANE Select); coding-DNA position 8105, one base duplicated (G; older notation c.8105dupG).
Protein change: p.Leu2703fs; shifts the reading frame from leucine 2703.
Molecular consequence: frameshift variant.
Genome position (GRCh38, 1-based): chr8:60,865,044, G duplicated. VCF-style (leftmost placement, unchanged base first): chr8-60865043-C-CG. GRCh37 (hg19) VCF-style: chr8-61777602-C-CG.
Other names: c.1958dup, p.Leu654fs (NM_001316690.1); short protein forms L2703fs, L654fs.
Identifiers: ClinVar variation 2851722 (VCV002851722.3), dbSNP rs2488142344, ClinGen allele CA2739268820.
Genomic context (GRCh38, chr8:60,865,043, plus strand): 5'-TTATAGCCACTGTTTGCCTCCCCTGTACTCCAGGGTTTTGTTCCTGAGTCGATGTTTGAC[C>CG]GCCTTCTCACTGGGCCTGTAGTGCGGGGAGAGGGAGCGAGCAGAAGAGGAAGAAGGCCCA-3'